The following is an entry in ClinVar:

ClinVar aggregate classification (germline): Uncertain significance. Review status: criteria provided, multiple submitters, no conflicts (2 of 4 stars). 2 submissions from 2 submitters: Uncertain significance (2). Last evaluated 2025-02-03.

Conditions:
Pancreatic adenocarcinoma. Identifiers: MedGen C0281361, MONDO:0006047, HP:0006725.

Allele frequency attached by ClinVar (database versions not stated): TOPMed below 0.00001.
gnomAD v4.1: 3 of 1,537,260 alleles (0.0002%); highest among the groups gnomAD compares: Middle Eastern, 0.017%; no homozygotes.

Submissions (2):

Ambry Genetics
Classification: Uncertain significance. Last evaluated: 2025-02-03. Review status: criteria provided, single submitter. Criteria: Ambry Variant Classification Scheme 2023. Collection method: clinical testing. Allele origin: germline.
Comment: The p.L666M variant (also known as c.1996T>A), located in coding exon 11 of the PALLD gene, results from a T to A substitution at nucleotide position 1996. The leucine at codon 666 is replaced by methionine, an amino acid with highly similar properties. This amino acid position is conserved. In addition, this alteration is predicted to be tolerated by in silico analysis. Based on the available evidence, the clinical significance of this variant remains unclear.

Labcorp Genetics (formerly Invitae), Labcorp
Classification: Uncertain significance for Pancreatic adenocarcinoma. Last evaluated: 2024-07-29. Review status: criteria provided, single submitter. Criteria: Invitae Variant Classification Sherloc (09022015). Collection method: clinical testing. Allele origin: germline.
Comment: This sequence change replaces leucine, which is neutral and non-polar, with methionine, which is neutral and non-polar, at codon 666 of the PALLD protein (p.Leu666Met). This variant is not present in population databases (gnomAD no frequency). This variant has not been reported in the literature in individuals affected with PALLD-related conditions. An algorithm developed to predict the effect of missense changes on protein structure and function (PolyPhen-2) suggests that this variant is likely to be tolerated. In summary, the available evidence is currently insufficient to determine the role of this variant in disease. Therefore, it has been classified as a Variant of Uncertain Significance.

NM_001166108.2(PALLD):c.*182T>A

Genes: CBR4 (carbonyl reductase 4; minus strand), PALLD (palladin, cytoskeletal associated protein; plus strand). Cytogenetic location: 4q32.3.
Variant type: single nucleotide variant.
Coding change: c.*182T>A on transcript NM_001166108.2 (MANE Select); 182 bases downstream of the stop codon, T replaced by A.
Molecular consequence: 3 prime UTR variant. On other transcripts: missense variant (4).
Genome position (GRCh38, 1-based): chr4:168,926,362, T>A. VCF-style: chr4-168926362-T-A. GRCh37 (hg19) VCF-style: chr4-169847513-T-A.
Other names: c.1336T>A, p.Leu446Met (NM_001367569.1); c.*182T>A (NM_001367570.1, NM_001367567.1, NM_016081.4); c.2311T>A, p.Leu771Met (NM_001166109.2); c.1996T>A, p.Leu666Met (NM_001166110.2); c.1387T>A, p.Leu463Met (NM_001367568.1); c.1996T>A (NM_001166110.1); short protein forms L666M, L463M, L771M, L446M.
Identifiers: ClinVar variation 2998346 (VCV002998346.4), dbSNP rs1762579601, ClinGen allele CA358716772.